The following is an entry in ClinVar:

ClinVar aggregate classification (germline): Uncertain significance (1 of 4 stars; one submission).

Conditions:
Neurofibromatosis, type 1 (NF1). Also called: VON RECKLINGHAUSEN DISEASE; NEUROFIBROMATOSIS, TYPE I, SOMATIC; Neurofibromatosis, type I; Peripheral type neurofibromatosis. Identifiers: Orphanet 636, MedGen C0027831, MONDO:0018975, OMIM 162200. Disease mechanism: loss of function.

Submission:

Labcorp Genetics (formerly Invitae), Labcorp
Classification: Uncertain significance for Neurofibromatosis, type 1. Last evaluated: 2022-02-19. Review status: criteria provided, single submitter. Criteria: Invitae Variant Classification Sherloc (09022015). Collection method: clinical testing. Allele origin: germline.
Comment: This variant has not been reported in the literature in individuals affected with NF1-related conditions. Algorithms developed to predict the effect of sequence changes on RNA splicing suggest that this variant may create or strengthen a splice site. In summary, the available evidence is currently insufficient to determine the role of this variant in disease. Therefore, it has been classified as a Variant of Uncertain Significance. This variant is not present in population databases (gnomAD no frequency). This sequence change falls in intron 42 of the NF1 gene. It does not directly change the encoded amino acid sequence of the NF1 protein.

NM_001042492.3(NF1):c.6643-18G>C

Gene: NF1 (neurofibromin 1; plus strand). Cytogenetic location: 17q11.2.
Variant type: single nucleotide variant.
Coding change: c.6643-18G>C on transcript NM_001042492.3 (MANE Select); 18 bases into the intron before coding-DNA position 6643, G replaced by C.
Molecular consequence: intron variant.
Genome position (GRCh38, 1-based): chr17:31,337,801, G>C. VCF-style: chr17-31337801-G-C. GRCh37 (hg19) VCF-style: chr17-29664819-G-C.
Other names: c.6580-18G>C (NM_000267.4).
Identifiers: ClinVar variation 2183683 (VCV002183683.4), dbSNP rs2151557286, ClinGen allele CA2580093428.
Genomic context (GRCh38, chr17:31,337,801, plus strand): 5'-GACATCATAATAAACATTATTTAAACAGTTCTAAAAACATTTATGTACAATATGTATTCA[G>C]AGTATCCCCTTTTTTAGGCATGCATGAGAGATATTCCAACGTGCAAGTGGCTGGACCAGT-3'